The following is an entry in ClinVar:

ClinVar aggregate classification (germline): Pathogenic (1 of 4 stars; one submission).

Submission:

Dasa
Classification: Pathogenic. Last evaluated: 2025-11-17. Review status: criteria provided, single submitter. Criteria: DASA Assertion Criteria. Collection method: clinical testing. Allele origin: germline.
Comment: NM_016156.6(MTMR2):c.357+2T>C introduces a premature termination codon predicted to result in loss of normal protein function. Loss-of-function is an established mechanism of disease for this gene. This variant results in the same amino acid change as a previously established pathogenic variant. The variant is present at low frequency in population datasets. Based on the available data, this variant is classified as pathogenic.

NM_016156.6(MTMR2):c.357+2T>C

Gene: MTMR2 (myotubularin related protein 2; minus strand). Cytogenetic location: 11q21.
Variant type: single nucleotide variant.
Coding change: c.357+2T>C on transcript NM_016156.6 (MANE Select); the canonical splice donor site of the intron after coding-DNA position 357, T replaced by C.
Molecular consequence: splice donor variant.
Genome position (GRCh38, 1-based): chr11:95,862,270, A>G on the plus strand (T>C on the coding strand, the complement: MTMR2 is on the minus strand). VCF-style: chr11-95862270-A-G. GRCh37 (hg19) VCF-style: chr11-95595434-A-G.
Other names: c.141+2T>C (NM_001440635.1, NM_001440636.1, NM_001440643.1 and 12 more transcripts); c.357+2T>C (NM_001440649.1, NM_001440647.1, NM_001440651.1 and 2 more transcripts); c.9+2T>C (NM_001440642.1).
Identifiers: ClinVar variation 4851979 (VCV004851979.1).
Genomic context (GRCh38, chr11:95,862,270, plus strand): 5'-TGAACAAAACTAGCTACAAACAACACACTCATGTACATACAAAAATCTAATCTGACTCTT[A>G]CCCGTTCCATGCTTTTGAAATATAACCTATAATTCGTGACAGTCAGAGTTCCTCGTACAG-3'